The following is an entry in ClinVar:

NM_002473.6(MYH9):c.2583G>C (p.Gln861His)

Gene: MYH9 (myosin heavy chain 9; minus strand). Cytogenetic location: 22q12.3.
Variant type: single nucleotide variant.
Coding change: c.2583G>C on transcript NM_002473.6 (MANE Select); coding-DNA position 2583, G replaced by C.
Protein change: p.Gln861His; replaces glutamine 861 with histidine.
Molecular consequence: missense variant.
Genome position (GRCh38, 1-based): chr22:36,301,582, C>G on the plus strand (G>C on the coding strand, the complement: MYH9 is on the minus strand). VCF-style: chr22-36301582-C-G. GRCh37 (hg19) VCF-style: chr22-36697628-C-G.
Other names: short protein forms Q861H.
Identifiers: ClinVar variation 4532523 (VCV004532523.1).

ClinVar aggregate classification (germline): Uncertain significance (1 of 4 stars; one submission).

gnomAD v4.1: 12 of 1,613,936 alleles (0.00074%); highest among the groups gnomAD compares: Non-Finnish European, 0.001%; no homozygotes.

Submission:

GeneDx
Classification: Uncertain significance. Last evaluated: 2025-05-30. Review status: criteria provided, single submitter. Criteria: GeneDx Variant Classification Process June 2021. Collection method: clinical testing. Allele origin: germline. Affected: yes.
Comment: In silico analysis suggests that this missense variant does not alter protein structure/function; Has not been previously published as pathogenic or benign to our knowledge